The following is an entry in ClinVar:

ClinVar aggregate classification (germline): Likely pathogenic (0 of 4 stars; one submission).

Conditions:
Muscle eye brain disease (MEB). Also called: Santavuori congenital muscular dystrophy. Identifiers: Orphanet 588, Orphanet 899, MedGen C0457133, MONDO:0018939.

Submission:

Juha Muilu Group; Institute for Molecular Medicine Finland (FIMM)
Classification: Likely pathogenic for Muscle eye brain disease. Review status: no assertion criteria provided. Collection method: not provided. Allele origin: unknown.
Comment: FinDis database variant: This variant was not found or characterized by our laboratory, data were collected from public sources: see reference
ClinVar note: Converted during submission from probable-pathogenic to Likely pathogenic.

NM_017739.4(POMGNT1):c.1785+2T>G

Genes: TSPAN1 (tetraspanin 1; plus strand), POMGNT1 (protein O-linked mannose N-acetylglucosaminyltransferase 1 (beta 1,2-); minus strand). Cytogenetic location: 1p34.1.
Variant type: single nucleotide variant.
Coding change: c.1785+2T>G on transcript NM_017739.4 (MANE Select); the canonical splice donor site of the intron after coding-DNA position 1785, T replaced by G.
Molecular consequence: splice donor variant.
Genome position (GRCh38, 1-based): chr1:46,189,852, A>C on the plus strand (T>G on the coding strand, the complement: POMGNT1 is on the minus strand). VCF-style: chr1-46189852-A-C. GRCh37 (hg19) VCF-style: chr1-46655524-A-C.
Other names: c.1785+2T>G (NM_001243766.2, NM_001438686.1, NM_001438688.1 and 3 more transcripts); c.1719+2T>G (NM_001290129.3, NM_001438691.1, NM_001438692.1); c.1356+2T>G (NM_001290130.2).
Identifiers: ClinVar variation 56588 (VCV000056588.2), dbSNP rs386834020, ClinGen allele CA263957.
Genomic context (GRCh38, chr1:46,189,852, plus strand): 5'-TCTTGGGGCAGTATGTGTGTGAGGGGGAGGGGTTCTCCAGGGTGGGCATGGTATTGGAGC[A>C]CCTTGGCAAGCTGGGTCCAGGTGGTGAAGTCATCATCTTTCTCCATTCGAATAAAGGCCA-3'